The following is an entry in ClinVar:

ClinVar aggregate classification (germline): Conflicting classifications of pathogenicity. Review status: criteria provided, conflicting classifications (1 of 4 stars). 2 submissions from 2 submitters: Uncertain significance (1); Likely benign (1). Last evaluated 2023-02-16.

Allele frequency attached by ClinVar (database versions not stated): ESP Exome Variant Server 0.00009.
gnomAD v4.1: 224 of 1,208,158 alleles (0.019%); highest among the groups gnomAD compares: Middle Eastern, 0.023%; no homozygotes.

Submissions (3):

Ambry Genetics
Classification: Uncertain significance. Last evaluated: 2023-02-16. Review status: criteria provided, single submitter. Criteria: Ambry Variant Classification Scheme 2023. Collection method: clinical testing. Allele origin: germline.

CeGaT Center for Human Genetics Tuebingen
Classification: Likely benign. Last evaluated: 2022-11-01. Review status: criteria provided, single submitter. Criteria: CeGaT Center For Human Genetics Tuebingen Variant Classification Criteria Version 2. Collection method: clinical testing. Allele origin: germline. Affected: yes. Observed: 1 variant allele.
Comment: TSPYL2: BP4, BS2

Dr. Peter K. Rogan Lab, Western University
No classification provided (evidence only). Condition: Thyroid cancer, nonmedullary, 1. Review status: no classification provided. Collection method: in vitro. Allele origin: not applicable. Functional consequence: retained intron. Not counted in ClinVar's aggregate classification.

NM_022117.4(TSPYL2):c.374G>T (p.Gly125Val)

Gene: TSPYL2 (TSPY like 2; plus strand). Cytogenetic location: Xp11.22.
Variant type: single nucleotide variant.
Coding change: c.374G>T on transcript NM_022117.4 (MANE Select); coding-DNA position 374, G replaced by T.
Protein change: p.Gly125Val; replaces glycine 125 with valine.
Molecular consequence: missense variant.
Genome position (GRCh38, 1-based): chrX:53,082,872, G>T. VCF-style: chrX-53082872-G-T. GRCh37 (hg19) VCF-style: chrX-53112054-G-T.
Other names: NC_000023.10:g.53112054G>T; short protein forms G125V.
Identifiers: ClinVar variation 2454450 (VCV002454450.27), dbSNP rs201527496, ClinGen allele CA10418556.